The following is an entry in ClinVar:

ClinVar aggregate classification (germline): Uncertain significance. Review status: criteria provided, multiple submitters, no conflicts (2 of 4 stars). 2 submissions from 2 submitters: Uncertain significance (2). Last evaluated 2023-09-09.

Conditions:
Hereditary cancer-predisposing syndrome. Also called: Tumor predisposition; Hereditary Cancer Syndrome; Hereditary neoplastic syndrome; Neoplastic Syndromes, Hereditary. Identifiers: Orphanet 140162, MedGen C0027672, MeSH D009386, MONDO:0015356.

gnomAD v4.1: 1 of 1,614,144 alleles (0.000062%); highest among the groups gnomAD compares: Non-Finnish European, 0.000085%; no homozygotes.

Submissions (2):

Ambry Genetics
Classification: Uncertain significance for Hereditary cancer-predisposing syndrome. Last evaluated: 2023-09-09. Review status: criteria provided, single submitter. Criteria: Ambry Variant Classification Scheme 2023. Collection method: clinical testing. Allele origin: germline.
Comment: The p.T26I variant (also known as c.77C>T), located in coding exon 1 of the RAD50 gene, results from a C to T substitution at nucleotide position 77. The threonine at codon 26 is replaced by isoleucine, an amino acid with similar properties. This amino acid position is conserved. In addition, this alteration is predicted to be tolerated by in silico analysis. Since supporting evidence is limited at this time, the clinical significance of this alteration remains unclear.

Labcorp Genetics (formerly Invitae), Labcorp
Classification: Uncertain significance for Hereditary cancer-predisposing syndrome. Last evaluated: 2021-08-22. Review status: criteria provided, single submitter. Criteria: Invitae Variant Classification Sherloc (09022015). Collection method: clinical testing. Allele origin: germline.
Comment: This variant has not been reported in the literature in individuals affected with RAD50-related conditions. This sequence change replaces threonine with isoleucine at codon 26 of the RAD50 protein (p.Thr26Ile). The threonine residue is weakly conserved and there is a moderate physicochemical difference between threonine and isoleucine. This variant is not present in population databases (ExAC no frequency). Algorithms developed to predict the effect of missense changes on protein structure and function (SIFT, PolyPhen-2, Align-GVGD) all suggest that this variant is likely to be tolerated. In summary, the available evidence is currently insufficient to determine the role of this variant in disease. Therefore, it has been classified as a Variant of Uncertain Significance.

NM_005732.4(RAD50):c.77C>T (p.Thr26Ile)

Gene: RAD50 (RAD50 double strand break repair protein; plus strand). Cytogenetic location: 5q31.1.
Variant type: single nucleotide variant.
Coding change: c.77C>T on transcript NM_005732.4 (MANE Select); coding-DNA position 77, C replaced by T.
Protein change: p.Thr26Ile; replaces threonine 26 with isoleucine.
Molecular consequence: missense variant.
Genome position (GRCh38, 1-based): chr5:132,557,401, C>T. VCF-style: chr5-132557401-C-T. GRCh37 (hg19) VCF-style: chr5-131893093-C-T.
Other names: c.77C>T (NM_005732.3); short protein forms T26I.
Identifiers: ClinVar variation 1471640 (VCV001471640.7), dbSNP rs2149830142, ClinGen allele CA360951454.
Genomic context (GRCh38, chr5:132,557,401, plus strand): 5'-AGATGAGCATTCTGGGCGTGCGGAGTTTTGGAATAGAGGACAAAGATAAGCAAATTATCA[C>T]TTTCTTCAGCCCCCTTACAATTTTGGTTGGACCCAATGGGGCGGGAAAGACGGTAAGTCT-3'
Protein context (NP_005723.2, residues 16-36): GIEDKDKQII[Thr26Ile]FFSPLTILVG